The following is an entry in ClinVar:

NM_001035.3(RYR2):c.2506C>T (p.His836Tyr)

Gene: RYR2 (ryanodine receptor 2; plus strand). Cytogenetic location: 1q43.
Variant type: single nucleotide variant.
Coding change: c.2506C>T on transcript NM_001035.3 (MANE Select); coding-DNA position 2506, C replaced by T.
Protein change: p.His836Tyr; replaces histidine 836 with tyrosine.
Molecular consequence: missense variant.
Genome position (GRCh38, 1-based): chr1:237,503,398, C>T. VCF-style: chr1-237503398-C-T. GRCh37 (hg19) VCF-style: chr1-237666698-C-T.
Other names: short protein forms H836Y.
Identifiers: ClinVar variation 3385691 (VCV003385691.2).

ClinVar aggregate classification (germline): Uncertain significance. Review status: criteria provided, multiple submitters, no conflicts (2 of 4 stars). 2 submissions from 2 submitters: Uncertain significance (2). Last evaluated 2024-02-22.

Conditions:
Cardiomyopathy (CMYO). Also called: Cardiomyopathies. Identifiers: Orphanet 167848, MedGen C0878544, MONDO:0004994, HP:0001638. Inheritance: Various modes of inheritance.
Catecholaminergic polymorphic ventricular tachycardia (CVPT). Also called: Catecholamine-induced polymorphic ventricular tachycardia. Identifiers: Orphanet 3286, MedGen C5574922, MONDO:0017990.

gnomAD v4.1: 2 of 1,613,918 alleles (0.00012%); highest among the groups gnomAD compares: Non-Finnish European, 0.000085%; no homozygotes.

Submissions (2):

All of Us Research Program, National Institutes of Health
Classification: Uncertain significance for Catecholaminergic polymorphic ventricular tachycardia. Last evaluated: 2024-02-22. Review status: criteria provided, single submitter. Criteria: ACMG Guidelines, 2015. Collection method: clinical testing. Allele origin: germline. Inheritance: Autosomal dominant inheritance. Observed: 1 variant allele, 1 heterozygote.
Comment: This missense variant replaces histidine with tyrosine at codon 836 of the RYR2 protein. Computational prediction is inconclusive regarding the impact of this variant on protein structure and function (internally defined REVEL score threshold 0.5 < inconclusive < 0.7, PMID: 27666373). To our knowledge, functional studies have not been reported for this variant. This variant has not been reported in individuals affected with RYR2-related disorders in the literature. This variant has not been identified in the general population by the Genome Aggregation Database (gnomAD). The available evidence is insufficient to determine the role of this variant in disease conclusively. Therefore, this variant is classified as a Variant of Uncertain Significance.

This study involves interpretation of variants in research participants for the purpose of population health screening. Participant phenotype was not available at the time of variant classification. Additional details can be found in publication PMID: 35346344, PMCID: PMC8962531

Color Diagnostics, LLC DBA Color Health
Classification: Uncertain significance for Cardiomyopathy. Last evaluated: 2024-02-14. Review status: criteria provided, single submitter. Criteria: ACMG Guidelines, 2015. Collection method: clinical testing. Allele origin: germline.
Comment: This missense variant replaces histidine with tyrosine at codon 836 of the RYR2 protein. Computational prediction is inconclusive regarding the impact of this variant on protein structure and function. To our knowledge, functional studies have not been reported for this variant. This variant has not been reported in individuals affected with RYR2-related disorders in the literature. This variant has not been identified in the general population by the Genome Aggregation Database (gnomAD). The available evidence is insufficient to determine the role of this variant in disease conclusively. Therefore, this variant is classified as a Variant of Uncertain Significance.